The following is an entry in ClinVar:

NM_001069.3(TUBB2A):c.277G>A (p.Gly93Ser)

Gene: TUBB2A (tubulin beta 2A class IIa; minus strand). Cytogenetic location: 6p25.2.
Variant type: single nucleotide variant.
Coding change: c.277G>A on transcript NM_001069.3 (MANE Select); coding-DNA position 277, G replaced by A.
Protein change: p.Gly93Ser; replaces glycine 93 with serine.
Molecular consequence: missense variant. On other transcripts: 5 prime UTR variant (1).
Genome position (GRCh38, 1-based): chr6:3,155,625, C>T on the plus strand (G>A on the coding strand, the complement: TUBB2A is on the minus strand). VCF-style: chr6-3155625-C-T. GRCh37 (hg19) VCF-style: chr6-3155859-C-T.
Other names: c.-111G>A (NM_001310315.2); short protein forms G93S.
Identifiers: ClinVar variation 1352987 (VCV001352987.6), dbSNP rs752234456, ClinGen allele CA3619047.

ClinVar aggregate classification (germline): Uncertain significance (1 of 4 stars; one submission).

Allele frequency attached by ClinVar (database versions not stated): gnomAD exomes below 0.00001; TOPMed below 0.00001; ExAC 0.00001.
gnomAD v4.1: 2 of 1,610,956 alleles (0.00012%); highest among the groups gnomAD compares: African/African-American, 0.0013%; no homozygotes.

Submission:

Labcorp Genetics (formerly Invitae), Labcorp
Classification: Uncertain significance. Last evaluated: 2022-08-31. Review status: criteria provided, single submitter. Criteria: Invitae Variant Classification Sherloc (09022015). Collection method: clinical testing. Allele origin: germline.
Comment: The frequency data for this variant in the population databases is considered unreliable, as metrics indicate poor data quality at this position in the gnomAD database. In summary, the available evidence is currently insufficient to determine the role of this variant in disease. Therefore, it has been classified as a Variant of Uncertain Significance. Variants that disrupt the consensus splice site are a relatively common cause of aberrant splicing (PMID: 17576681, 9536098). Algorithms developed to predict the effect of sequence changes on RNA splicing suggest that this variant may create or strengthen a splice site. Algorithms developed to predict the effect of missense changes on protein structure and function (SIFT, PolyPhen-2, Align-GVGD) all suggest that this variant is likely to be disruptive. ClinVar contains an entry for this variant (Variation ID: 1352987). This variant has not been reported in the literature in individuals affected with TUBB2A-related conditions. This sequence change replaces glycine, which is neutral and non-polar, with serine, which is neutral and polar, at codon 93 of the TUBB2A protein (p.Gly93Ser). This variant also falls at the last nucleotide of exon 3, which is part of the consensus splice site for this exon.

Literature cited by the submitters: PubMed 17576681; PubMed 9536098.